The following is an entry in ClinVar:

ClinVar aggregate classification (germline): Uncertain significance (1 of 4 stars; one submission).

gnomAD v4.1: 1 of 1,612,272 alleles (0.000062%); highest among the groups gnomAD compares: Non-Finnish European, 0.000085%; no homozygotes.

Submission:

GeneDx
Classification: Uncertain significance. Last evaluated: 2019-04-11. Review status: criteria provided, single submitter. Criteria: GeneDx Variant Classification Process June 2021. Collection method: clinical testing. Allele origin: germline. Affected: yes.
Comment: Not observed at a significant frequency in large population cohorts (Lek et al., 2016); In silico analysis, which includes protein predictors and evolutionary conservation, supports that this variant does not alter protein structure/function; Has not been previously published as pathogenic or benign to our knowledge

NM_198578.4(LRRK2):c.7374G>C (p.Met2458Ile)

Gene: LRRK2 (leucine rich repeat kinase 2; plus strand). Cytogenetic location: 12q12.
Variant type: single nucleotide variant.
Coding change: c.7374G>C on transcript NM_198578.4 (MANE Select); coding-DNA position 7374, G replaced by C.
Protein change: p.Met2458Ile; replaces methionine 2458 with isoleucine.
Molecular consequence: missense variant.
Genome position (GRCh38, 1-based): chr12:40,365,034, G>C. VCF-style: chr12-40365034-G-C. GRCh37 (hg19) VCF-style: chr12-40758836-G-C.
Other names: short protein forms M2458I.
Identifiers: ClinVar variation 1303756 (VCV001303756.2), dbSNP rs765994542, ClinGen allele CA384415344.
Genomic context (GRCh38, chr12:40,365,034, plus strand): 5'-TCTTTCAACTCGTCGACTTATACGTGTAATTTACAACTTTTGTAATTCGGTCAGAGTCAT[G>C]ATGACAGCACAGCTAGGCAAGTTTCTTTCCTTTAGATATTTTTCATATTCTCTAAGTCTT-3'
Protein context (NP_940980.4, residues 2448-2468): IYNFCNSVRV[Met2458Ile]MTAQLGSLKN